The following is an entry in ClinVar:

ClinVar aggregate classification (germline): Uncertain significance (1 of 4 stars; one submission).

gnomAD v4.1: 1 of 1,607,728 alleles (0.000062%); highest among the groups gnomAD compares: South Asian, 0.0011%; no homozygotes.

Submission:

GeneDx
Classification: Uncertain significance. Last evaluated: 2024-08-19. Review status: criteria provided, single submitter. Criteria: GeneDx Variant Classification Process June 2021. Collection method: clinical testing. Allele origin: germline. Affected: yes.
Comment: Not observed at significant frequency in large population cohorts (gnomAD); In silico analysis indicates that this missense variant does not alter protein structure/function; Has not been previously published as pathogenic or benign to our knowledge

NM_182641.4(BPTF):c.1864+622C>G

Gene: BPTF (bromodomain PHD finger transcription factor; plus strand). Cytogenetic location: 17q24.2.
Variant type: single nucleotide variant.
Coding change: c.1864+622C>G on transcript NM_182641.4 (MANE Select); 622 bases into the intron after coding-DNA position 1864, C replaced by G.
Molecular consequence: intron variant. On other transcripts: missense variant (1).
Genome position (GRCh38, 1-based): chr17:67,875,642, C>G. VCF-style: chr17-67875642-C-G. GRCh37 (hg19) VCF-style: chr17-65871758-C-G.
Other names: c.1951C>G, p.Pro651Ala (NM_004459.7); short protein forms P651A.
Identifiers: ClinVar variation 3764392 (VCV003764392.1).